The following is an entry in ClinVar:

ClinVar aggregate classification (germline): Pathogenic (0 of 4 stars; one submission).

Conditions:
Beta-thalassemia HBB/LCRB. Identifiers: MedGen CN322236, MONDO:0013517, OMIM 613985.

Submission:

Precision Medicine Lab Center, Yangjiang People's Hospital
Classification: Pathogenic for Beta-thalassemia HBB/LCRB. Last evaluated: 2024-05-14. Review status: no assertion criteria provided. Collection method: clinical testing. Allele origin: germline. Affected: yes. Observed: 8 variant alleles.
Comment: The 14-base deletion (HBB:c.263_276delCACTGAGTGAGCTG) in the HBB gene results in an abnormal encoded protein. This variant was not included in the ClinVar database. This variant has not been previously reported in the literature. Patients with this variant have microcytic hypochromic anemia with a phenotype consistent with beta thalassemia. Based on the above evidence, this variant is classified as pathogenic.

NM_000518.5(HBB):c.268_281del (p.Leu89_Ser90insTer)

Genes: HBB (hemoglobin subunit beta; minus strand), LOC106099062 (HBB recombination region; plus strand), LOC107133510 (origin of replication at HBB; plus strand). Cytogenetic location: 11p15.4.
Variant type: Deletion.
Coding change: c.268_281del on transcript NM_000518.5 (MANE Select); coding-DNA positions 268 to 281, 14 bases deleted (AGTGAGCTGCACTG).
Protein change: p.Leu89_Ser90insTer.
Molecular consequence: nonsense.
Genome position (GRCh38, 1-based): chr11:5,226,611-5,226,624, CAGTGCAGCTCACT deleted on the plus strand (AGTGAGCTGCACTG on the coding strand, the reverse complement: HBB is on the minus strand); deleting any 14 consecutive bases within chr11:5,226,611-5,226,629 gives the same sequence; the c. name uses the placement nearest the transcript's 3' end. VCF-style (leftmost placement, unchanged base first): chr11-5226610-ACAGTGCAGCTCACT-A. GRCh37 (hg19) VCF-style: chr11-5247840-ACAGTGCAGCTCACT-A.
Other names: c.263_276delCACTGAGTGAGCTG (NM_000518.5).
Identifiers: ClinVar variation 4280311 (VCV004280311.1).